The following is an entry in ClinVar:

ClinVar aggregate classification (germline): Uncertain significance (1 of 4 stars; one submission).

gnomAD v4.1: 1 of 1,613,804 alleles (0.000062%); no homozygotes.

Submission:

GeneDx
Classification: Uncertain significance. Last evaluated: 2024-04-30. Review status: criteria provided, single submitter. Criteria: GeneDx Variant Classification Process June 2021. Collection method: clinical testing. Allele origin: germline. Affected: yes.
Comment: Not observed at significant frequency in large population cohorts (gnomAD); In silico analysis indicates that this missense variant does not alter protein structure/function; Has not been previously published as pathogenic or benign to our knowledge

NM_005445.4(SMC3):c.2056G>A (p.Glu686Lys)

Gene: SMC3 (structural maintenance of chromosomes 3; plus strand). Cytogenetic location: 10q25.2.
Variant type: single nucleotide variant.
Coding change: c.2056G>A on transcript NM_005445.4 (MANE Select); coding-DNA position 2056, G replaced by A.
Protein change: p.Glu686Lys; replaces glutamic acid 686 with lysine.
Molecular consequence: missense variant.
Genome position (GRCh38, 1-based): chr10:110,596,490, G>A. VCF-style: chr10-110596490-G-A. GRCh37 (hg19) VCF-style: chr10-112356248-G-A.
Other names: short protein forms E686K.
Identifiers: ClinVar variation 3373217 (VCV003373217.1).
Genomic context (GRCh38, chr10:110,596,490, plus strand): 5'-GGGGGTTATTATGACACAAGGAAGTCTCGACTTGAATTGCAAAAAGATGTTAGAAAAGCA[G>A]AAGAAGAACTAGGTGAACTTGAAGCAAAGCTCAATGAAAACCTGCGCAGAAATATTGAAA-3'
Protein context (NP_005436.1, residues 676-696): LELQKDVRKA[Glu686Lys]EELGELEAKL